The following is an entry in ClinVar:

ClinVar aggregate classification (germline): Uncertain significance (1 of 4 stars; one submission).

Conditions:
Multiple congenital anomalies-hypotonia-seizures syndrome 1 (MCAHS1). Also called: GLYCOSYLPHOSPHATIDYLINOSITOL BIOSYNTHESIS DEFECT 3; PIGN-CDG; Congenital disorder of glycosylation due to PIGN deficiency. Identifiers: Orphanet 280633, MedGen C3279775, MONDO:0013563, OMIM 614080.

Allele frequency attached by ClinVar (database versions not stated): gnomAD 0.00001; gnomAD exomes 0.00001; TOPMed 0.00001.
gnomAD v4.1: 21 of 1,609,976 alleles (0.0013%); highest among the groups gnomAD compares: Non-Finnish European, 0.0018%; no homozygotes.

Submission:

Labcorp Genetics (formerly Invitae), Labcorp
Classification: Uncertain significance for Multiple congenital anomalies-hypotonia-seizures syndrome 1. Last evaluated: 2021-08-19. Review status: criteria provided, single submitter. Criteria: Invitae Variant Classification Sherloc (09022015). Collection method: clinical testing. Allele origin: germline.
Comment: This sequence change replaces tyrosine with histidine at codon 132 of the PIGN protein (p.Tyr132His). The tyrosine residue is moderately conserved and there is a moderate physicochemical difference between tyrosine and histidine. This variant is not present in population databases (ExAC no frequency). This variant has not been reported in the literature in individuals affected with PIGN-related conditions. Algorithms developed to predict the effect of missense changes on protein structure and function output the following: SIFT: "Tolerated"; PolyPhen-2: "Benign"; Align-GVGD: "Class C0". The histidine amino acid residue is found in multiple mammalian species, which suggests that this missense change does not adversely affect protein function. In summary, the available evidence is currently insufficient to determine the role of this variant in disease. Therefore, it has been classified as a Variant of Uncertain Significance.

NM_176787.5(PIGN):c.394T>C (p.Tyr132His)

Gene: PIGN (phosphatidylinositol glycan anchor biosynthesis class N; minus strand). Cytogenetic location: 18q21.33.
Variant type: single nucleotide variant.
Coding change: c.394T>C on transcript NM_176787.5 (MANE Select); coding-DNA position 394, T replaced by C.
Protein change: p.Tyr132His; replaces tyrosine 132 with histidine.
Molecular consequence: missense variant.
Genome position (GRCh38, 1-based): chr18:62,157,177, A>G on the plus strand (T>C on the coding strand, the complement: PIGN is on the minus strand). VCF-style: chr18-62157177-A-G. GRCh37 (hg19) VCF-style: chr18-59824410-A-G.
Other names: c.394T>C, p.Tyr132His (NM_012327.6); short protein forms Y132H.
Identifiers: ClinVar variation 1426809 (VCV001426809.3), dbSNP rs1316042238, ClinGen allele CA402603287.